The following is an entry in ClinVar:

NM_004247.4(EFTUD2):c.2643_2649del (p.Phe881fs)

Gene: EFTUD2 (elongation factor Tu GTP binding domain containing 2; minus strand). Cytogenetic location: 17q21.31.
Variant type: Deletion.
Coding change: c.2643_2649del on transcript NM_004247.4 (MANE Select); coding-DNA positions 2643 to 2649, 7 bases deleted (TGGCTTT; older notation c.2643_2649delTGGCTTT).
Protein change: p.Phe881fs; shifts the reading frame from phenylalanine 881.
Molecular consequence: frameshift variant.
Genome position (GRCh38, 1-based): chr17:44,852,475-44,852,481, AAAGCCA deleted on the plus strand (TGGCTTT on the coding strand, the reverse complement: EFTUD2 is on the minus strand); deleting any 7 consecutive bases within chr17:44,852,475-44,852,485 gives the same sequence; the c. name uses the placement nearest the transcript's 3' end. VCF-style (leftmost placement, unchanged base first): chr17-44852474-CAAAGCCA-C. GRCh37 (hg19) VCF-style: chr17-42929842-CAAAGCCA-C.
Other names: c.2538_2544del, p.Phe846fs (NM_001142605.2); c.2643_2649del, p.Phe881fs (NM_001258353.2); c.2613_2619del, p.Phe871fs (NM_001258354.2); c.2643_2649delTGGCTTT (NM_004247.4); short protein forms F846fs, F871fs, F881fs.
Identifiers: ClinVar variation 2581074 (VCV002581074.2), dbSNP rs2508718340, ClinGen allele CA2580618208.

ClinVar aggregate classification (germline): Pathogenic (1 of 4 stars; one submission).

Conditions:
Mandibulofacial dysostosis-microcephaly syndrome (MFDGA). Also called: Mandibulofacial dysostosis, Guion-Almeida type; Growth and mental retardation, mandibulofacial dysostosis, microcephaly, and cleft palate. Identifiers: Orphanet 79113, MedGen C1864652, MONDO:0012516, OMIM 610536.

Submission:

Division Of Personalized Genomic Medicine, Columbia University Irving Medical Center
Classification: Pathogenic for Mandibulofacial dysostosis-microcephaly syndrome. Last evaluated: 2019-11-15. Review status: criteria provided, single submitter. Criteria: ACMG Guidelines, 2015. Collection method: clinical testing. Allele origin: de novo. Inheritance: Autosomal dominant inheritance. Affected: yes. Observed: 1 heterozygote.
Comment: This is a heterozygous frameshift variant, resulting in a premature stop codon downstream. This variant localizes to coding exon 26 of the EFTUD2 gene (28 coding exons in total; NM_004247.4). This variant has not been observed in the Genome Aggregation Database (gnomAD), indicating it is not a common benign variant in the populations represented in this database. To the best of our knowledge, this specific variant has not been reported in literature. In ClinVar database, multiple null variants in exon 26 and downstream have been reported as pathogenic. This frameshift variant is predicted to be deleterious.